The following is an entry in ClinVar:

NM_000059.4(BRCA2):c.6996T>C (p.Cys2332=)

Gene: BRCA2 (BRCA2 DNA repair associated; plus strand). Cytogenetic location: 13q13.1.
Variant type: single nucleotide variant.
Coding change: c.6996T>C on transcript NM_000059.4 (MANE Select); coding-DNA position 6996, T replaced by C.
Protein change: p.Cys2332=; no amino-acid change (cysteine 2332 retained).
Molecular consequence: synonymous variant.
Genome position (GRCh38, 1-based): chr13:32,346,885, T>C. VCF-style: chr13-32346885-T-C. GRCh37 (hg19) VCF-style: chr13-32921022-T-C.
Identifiers: ClinVar variation 184514 (VCV000184514.42), dbSNP rs779498845, ClinGen allele CA024685.

ClinVar aggregate classification (germline): Likely benign. Review status: reviewed by expert panel (3 of 4 stars). 9 submissions from 9 submitters: Likely benign (1). 8 of the submissions do not count toward it. Last evaluated 2017-06-29.

Conditions:
Hereditary cancer-predisposing syndrome. Also called: Tumor predisposition; Neoplastic Syndromes, Hereditary; Hereditary Cancer Syndrome; Hereditary neoplastic syndrome. Identifiers: Orphanet 140162, MedGen C0027672, MeSH D009386, MONDO:0015356.
Hereditary breast ovarian cancer syndrome. Also called: Hereditary breast and ovarian cancer; Hereditary breast and ovarian cancer syndrome (HBOC); Breast and ovarian cancer; Hereditary breast and/or ovarian cancer syndrome; BRCA1- and BRCA2-Associated Hereditary Breast and Ovarian Cancer; Hereditary breast and ovarian cancer syndrome. Identifiers: Orphanet 145, MedGen C0677776, MeSH D061325, MONDO:0003582. Disease mechanism: loss of function.
Breast-ovarian cancer, familial, susceptibility to, 2 (BROVCA2). Also called: BRCA2 Hereditary Breast and Ovarian Cancer. Identifiers: Orphanet 145, MedGen C2675520, MONDO:0012933, OMIM 612555. Disease mechanism: loss of function.

Allele frequency attached by ClinVar (database versions not stated): gnomAD 0.00001; gnomAD exomes 0.00001; TOPMed 0.00001; ExAC 0.00002.
gnomAD v4.1: 12 of 1,608,726 alleles (0.00075%); highest among the groups gnomAD compares: South Asian, 0.0089%; no homozygotes.

Submissions (9):

Evidence-based Network for the Interpretation of Germline Mutant Alleles (ENIGMA)
Classification: Likely benign for Breast-ovarian cancer, familial, susceptibility to, 2. Last evaluated: 2017-06-29. Review status: reviewed by expert panel. Criteria: ENIGMA BRCA1/2 Classification Criteria (2017-06-29). Collection method: curation. Allele origin: germline.
Comment: Synonymous substitution variant, with low bioinformatic likelihood to result in a splicing aberration (Splicing prior probability 0.02).

Quest Diagnostics Nichols Institute San Juan Capistrano
Classification: Likely benign. Last evaluated: 2025-11-07. Review status: criteria provided, single submitter. Criteria: Quest Diagnostics criteria. Collection method: clinical testing. Allele origin: unknown. Not counted in ClinVar's aggregate classification.

Labcorp Genetics (formerly Invitae), Labcorp
Classification: Likely benign for Hereditary breast ovarian cancer syndrome. Last evaluated: 2025-09-03. Review status: criteria provided, single submitter. Criteria: Invitae Variant Classification Sherloc (09022015). Collection method: clinical testing. Allele origin: germline. Not counted in ClinVar's aggregate classification.

CeGaT Center for Human Genetics Tuebingen
Classification: Likely benign. Last evaluated: 2023-11-01. Review status: criteria provided, single submitter. Criteria: CeGaT Center For Human Genetics Tuebingen Variant Classification Criteria Version 2. Collection method: clinical testing. Allele origin: germline. Affected: yes. Observed: 1 variant allele. Not counted in ClinVar's aggregate classification.
Comment: BRCA2: BP4

All of Us Research Program, National Institutes of Health
Classification: Likely benign for Breast-ovarian cancer, familial, susceptibility to, 2. Last evaluated: 2023-03-28. Review status: criteria provided, single submitter. Criteria: ACMG Guidelines, 2015. Collection method: clinical testing. Allele origin: germline. Inheritance: Autosomal dominant inheritance. Observed: 1 variant allele, 1 heterozygote. Not counted in ClinVar's aggregate classification.
Comment: This study involves interpretation of variants in research participants for the purpose of population health screening. Participant phenotype was not available at the time of variant classification. Additional details can be found in publication PMID: 35346344, PMCID: PMC8962531

Blueprint Genetics
Classification: Likely benign. Last evaluated: 2022-07-11. Review status: criteria provided, single submitter. Criteria: ACMG Guidelines, 2015. Collection method: clinical testing. Allele origin: germline. Not counted in ClinVar's aggregate classification.

GeneDx
Classification: Likely benign. Last evaluated: 2017-11-01. Review status: criteria provided, single submitter. Criteria: GeneDx Variant Classification (06012015). Collection method: clinical testing. Allele origin: germline. Affected: yes. Not counted in ClinVar's aggregate classification.
Comment: This variant is considered likely benign or benign based on one or more of the following criteria: it is a conservative change, it occurs at a poorly conserved position in the protein, it is predicted to be benign by multiple in silico algorithms, and/or has population frequency not consistent with disease.

Color Diagnostics, LLC DBA Color Health
Classification: Likely benign for Hereditary cancer-predisposing syndrome. Last evaluated: 2017-06-08. Review status: criteria provided, single submitter. Criteria: ACMG Guidelines, 2015. Collection method: clinical testing. Allele origin: germline. Not counted in ClinVar's aggregate classification.

Ambry Genetics
Classification: Likely benign for Hereditary cancer-predisposing syndrome. Last evaluated: 2015-07-16. Review status: criteria provided, single submitter. Criteria: Ambry Variant Classification Scheme 2023. Collection method: clinical testing. Allele origin: germline. Not counted in ClinVar's aggregate classification.

Literature cited by the submitters: PubMed 37713444 (cited by Quest Diagnostics Nichols Institute San Juan Capistrano).